The following is an entry in ClinVar:

ClinVar aggregate classification (germline): Pathogenic (1 of 4 stars; one submission).

Submission:

GeneDx
Classification: Pathogenic. Last evaluated: 2023-09-13. Review status: criteria provided, single submitter. Criteria: GeneDx Variant Classification Process June 2021. Collection method: clinical testing. Allele origin: germline. Affected: yes.
Comment: Single base-pair insertion predicted to cause a frameshift and protein extension (the last 43 amino acids are replaced by at least 65 aberrant amino acid residues); Other frameshift variants in the tail region of locrin have been reported in association with loricrin keratoderma, and were shown to change the physico-biochemical properties of the loricrin tail and result in abnormal accumulation of mutant loricrin in the nucleus; phenotypic characteristics of a loricrin tail domain insertion was also replicated in transgenic mice (Suga et al., 2000); Not observed in large population cohorts (gnomAD); This variant is associated with the following publications: (PMID: 31595526, 25965869)

NM_000427.3(LORICRIN):c.806dup (p.Ser270fs)

Gene: LORICRIN (loricrin cornified envelope precursor protein; plus strand). Cytogenetic location: 1q21.3.
Variant type: Duplication.
Coding change: c.806dup on transcript NM_000427.3 (MANE Select); coding-DNA position 806, one base duplicated (G; older notation c.806dupG).
Protein change: p.Ser270fs; shifts the reading frame from serine 270.
Molecular consequence: frameshift variant.
Genome position (GRCh38, 1-based): chr1:153,261,755, G duplicated; the last of 5 consecutive G bases (chr1:153,261,751-153,261,755); duplicating any one gives the same sequence. VCF-style (leftmost placement, unchanged base first): chr1-153261750-C-CG. GRCh37 (hg19) VCF-style: chr1-153234226-C-CG.
Other names: short protein forms S270fs.
Identifiers: ClinVar variation 2579955 (VCV002579955.1), dbSNP rs1553191394, ClinGen allele CA342507669.